The following is an entry in ClinVar:

ClinVar aggregate classification (germline): Uncertain significance (1 of 4 stars; one submission).

Conditions:
Autosomal dominant limb-girdle muscular dystrophy type 1F (LGMDD2). Also called: Limb-girdle muscular dystrophy, type 1F; MUSCULAR DYSTROPHY, LIMB-GIRDLE, AUTOSOMAL DOMINANT 2. Identifiers: Orphanet 55595, MedGen C1842062, MONDO:0012034, OMIM 608423.

Submission:

Labcorp Genetics (formerly Invitae), Labcorp
Classification: Uncertain significance for Autosomal dominant limb-girdle muscular dystrophy type 1F. Last evaluated: 2025-06-22. Review status: criteria provided, single submitter. Criteria: Invitae Variant Classification Sherloc (09022015). Collection method: clinical testing. Allele origin: germline.
Comment: This sequence change creates a premature translational stop signal (p.Leu503Phefs*10) in the TNPO3 gene. It is expected to result in an absent or disrupted protein product. However, the current clinical and genetic evidence is not sufficient to establish whether loss-of-function variants in TNPO3 cause disease. This variant is not present in population databases (gnomAD no frequency). This variant has not been reported in the literature in individuals affected with TNPO3-related conditions. In summary, the available evidence is currently insufficient to determine the role of this variant in disease. Therefore, it has been classified as a Variant of Uncertain Significance.

NM_012470.4(TNPO3):c.1508dup (p.Leu503fs)

Gene: TNPO3 (transportin 3; minus strand). Cytogenetic location: 7q32.1.
Variant type: Duplication.
Coding change: c.1508dup on transcript NM_012470.4 (MANE Select); coding-DNA position 1508, one base duplicated (T; older notation c.1508dupT).
Protein change: p.Leu503fs; shifts the reading frame from leucine 503.
Molecular consequence: frameshift variant. On other transcripts: non-coding transcript variant (18), intron variant (2).
Genome position (GRCh38, 1-based): chr7:128,986,911, A duplicated on the plus strand (T on the coding strand, the reverse complement: TNPO3 is on the minus strand); the first of 2 consecutive A bases (chr7:128,986,911-128,986,912); duplicating either gives the same sequence. VCF-style (leftmost placement, unchanged base first): chr7-128986910-C-CA. GRCh37 (hg19) VCF-style: chr7-128626964-C-CA.
Other names: c.1610dup, p.Leu537fs (NM_001382216.1); c.1589dup, p.Leu530fs (NM_001382217.1); c.1508dup, p.Leu503fs (NM_001382218.1, NM_001382220.1); c.1400dup, p.Leu467fs (NM_001382219.1); c.1364dup, p.Leu455fs (NM_001382221.1); c.1361dup, p.Leu454fs (NM_001382222.1); c.1499-2652dup (NM_001382223.1, NM_001191028.3); short protein forms L503fs, L467fs, L537fs, L454fs, L455fs, L530fs.
Identifiers: ClinVar variation 4721935 (VCV004721935.1).